The following is an entry in ClinVar:

NM_001379500.1(COL18A1):c.1349C>T (p.Pro450Leu)

Gene: COL18A1 (collagen type XVIII alpha 1 chain; plus strand). Cytogenetic location: 21q22.3.
Variant type: single nucleotide variant.
Coding change: c.1349C>T on transcript NM_001379500.1 (MANE Select); coding-DNA position 1349, C replaced by T.
Protein change: p.Pro450Leu; replaces proline 450 with leucine.
Molecular consequence: missense variant.
Genome position (GRCh38, 1-based): chr21:45,480,107, C>T. VCF-style: chr21-45480107-C-T. GRCh37 (hg19) VCF-style: chr21-46900021-C-T.
Other names: c.1889C>T, p.Pro630Leu (NM_030582.4); c.2594C>T, p.Pro865Leu (NM_130444.3); short protein forms P450L, P865L, P630L.
Identifiers: ClinVar variation 1378739 (VCV001378739.6), dbSNP rs1272945203, ClinGen allele CA410516975.
Genomic context (GRCh38, chr21:45,480,107, plus strand): 5'-ATAGGCTTGTCTTGTGTTCCCAGGGAGACCCTGGGGTTGGAGAGAGAGGGCCCCCAGGAC[C>T]CCAAGGGCCTCCAGGGCCCCCAGGACCCTCCTTCAGACACGACAAGCTGGTAAGTCCCGC-3'
Protein context (NP_001366429.1, residues 440-460): PGVGERGPPG[Pro450Leu]QGPPGPPGPS

ClinVar aggregate classification (germline): Uncertain significance (1 of 4 stars; one submission).

Allele frequency attached by ClinVar (database versions not stated): TOPMed 0.00001.

Submission:

Labcorp Genetics (formerly Invitae), Labcorp
Classification: Uncertain significance. Last evaluated: 2021-08-31. Review status: criteria provided, single submitter. Criteria: Invitae Variant Classification Sherloc (09022015). Collection method: clinical testing. Allele origin: germline.
Comment: In summary, the available evidence is currently insufficient to determine the role of this variant in disease. Therefore, it has been classified as a Variant of Uncertain Significance. Experimental studies and prediction algorithms are not available or were not evaluated, and the functional significance of this variant is currently unknown. This variant has not been reported in the literature in individuals affected with COL18A1-related conditions. This variant is not present in population databases (ExAC no frequency). This sequence change replaces proline with leucine at codon 450 of the COL18A1 protein (p.Pro450Leu). There is a moderate physicochemical difference between proline and leucine.